The following is an entry in ClinVar:

NM_002894.3(RBBP8):c.2074T>G (p.Cys692Gly)

Gene: RBBP8 (RB binding protein 8, endonuclease; plus strand). Cytogenetic location: 18q11.2.
Variant type: single nucleotide variant.
Coding change: c.2074T>G on transcript NM_002894.3 (MANE Select); coding-DNA position 2074, T replaced by G.
Protein change: p.Cys692Gly; replaces cysteine 692 with glycine.
Molecular consequence: missense variant.
Genome position (GRCh38, 1-based): chr18:22,997,665, T>G. VCF-style: chr18-22997665-T-G. GRCh37 (hg19) VCF-style: chr18-20577628-T-G.
Other names: c.2074T>G, p.Cys692Gly (NM_203291.2, NM_203292.2); c.2074T>G (NM_002894.2); short protein forms C692G.
Identifiers: ClinVar variation 502503 (VCV000502503.12), dbSNP rs369646494, ClinGen allele CA8910248.

ClinVar aggregate classification (germline): Uncertain significance. Review status: criteria provided, multiple submitters, no conflicts (2 of 4 stars). 3 submissions from 3 submitters: Uncertain significance (3). Last evaluated 2024-07-17.

Conditions:
Inborn genetic diseases. Identifiers: MedGen C0950123, MeSH D030342.

Allele frequency attached by ClinVar (database versions not stated): gnomAD exomes 0.00002 and 0.00004; ExAC 0.00007; ESP Exome Variant Server 0.00015; 1000 Genomes Project 30x 0.00016; 1000 Genomes Project 0.00020; gnomAD 0.00023 and 0.00025; TOPMed 0.00024.
gnomAD v4.1: 60 of 1,610,936 alleles (0.0037%); highest among the groups gnomAD compares: African/African-American, 0.075%; no homozygotes.

Submissions (3):

Ambry Genetics
Classification: Uncertain significance for Inborn genetic diseases. Last evaluated: 2024-07-17. Review status: criteria provided, single submitter. Criteria: Ambry Variant Classification Scheme 2023. Collection method: clinical testing. Allele origin: germline.

Labcorp Genetics (formerly Invitae), Labcorp
Classification: Uncertain significance. Last evaluated: 2022-07-19. Review status: criteria provided, single submitter. Criteria: Invitae Variant Classification Sherloc (09022015). Collection method: clinical testing. Allele origin: germline.
Comment: This sequence change replaces cysteine, which is neutral and slightly polar, with glycine, which is neutral and non-polar, at codon 692 of the RBBP8 protein (p.Cys692Gly). This variant is present in population databases (rs369646494, gnomAD 0.08%). This variant has not been reported in the literature in individuals affected with RBBP8-related conditions. ClinVar contains an entry for this variant (Variation ID: 502503). Algorithms developed to predict the effect of missense changes on protein structure and function (SIFT, PolyPhen-2, Align-GVGD) all suggest that this variant is likely to be tolerated. In summary, the available evidence is currently insufficient to determine the role of this variant in disease. Therefore, it has been classified as a Variant of Uncertain Significance.

Eurofins Ntd Llc (ga)
Classification: Uncertain significance. Last evaluated: 2017-06-13. Review status: criteria provided, single submitter. Criteria: EGL Classification Definitions 2015. Collection method: clinical testing. Allele origin: germline. Observed: 1 variant allele, 1 heterozygote.